The following is an entry in ClinVar:

ClinVar aggregate classification (germline): Uncertain significance. Review status: criteria provided, multiple submitters, no conflicts (2 of 4 stars). 3 submissions from 3 submitters: Uncertain significance (2). 1 of the submissions does not count toward it. Last evaluated 2025-05-21.

Conditions:
Usher syndrome type 1F (USH1F). Also called: USHER SYNDROME, TYPE IF. Identifiers: Orphanet 231169, Orphanet 886, MedGen C1865885, MONDO:0011186, OMIM 602083.

Allele frequency attached by ClinVar (database versions not stated): gnomAD 0.00001; TOPMed below 0.00001.
gnomAD v4.1: 1 of 1,613,058 alleles (0.000062%); highest among the groups gnomAD compares: Non-Finnish European, 0.000085%; no homozygotes.

Submissions (3):

GeneDx
Classification: Uncertain significance. Last evaluated: 2025-05-21. Review status: criteria provided, single submitter. Criteria: GeneDx Variant Classification Process June 2021. Collection method: clinical testing. Allele origin: germline. Affected: yes.
Comment: Not observed at significant frequency in large population cohorts (gnomAD); In silico analysis suggests that this missense variant does not alter protein structure/function; Has not been previously published as pathogenic or benign to our knowledge

Labcorp Genetics (formerly Invitae), Labcorp
Classification: Uncertain significance. Last evaluated: 2022-07-26. Review status: criteria provided, single submitter. Criteria: Invitae Variant Classification Sherloc (09022015). Collection method: clinical testing. Allele origin: germline.
Comment: In summary, the available evidence is currently insufficient to determine the role of this variant in disease. Therefore, it has been classified as a Variant of Uncertain Significance. Algorithms developed to predict the effect of missense changes on protein structure and function output the following: SIFT: "Tolerated"; PolyPhen-2: "Not Available"; Align-GVGD: "Class C0". The leucine amino acid residue is found in multiple mammalian species, which suggests that this missense change does not adversely affect protein function. ClinVar contains an entry for this variant (Variation ID: 1052794). This variant has not been reported in the literature in individuals affected with PCDH15-related conditions. This variant is not present in population databases (gnomAD no frequency). This sequence change replaces proline, which is neutral and non-polar, with leucine, which is neutral and non-polar, at codon 1737 of the PCDH15 protein (p.Pro1737Leu).

Natera, Inc.
Classification: Uncertain significance for Usher syndrome type 1F. Last evaluated: 2020-03-11. Review status: no assertion criteria provided. Collection method: clinical testing. Allele origin: germline. Not counted in ClinVar's aggregate classification.

NM_033056.4(PCDH15):c.5210C>T (p.Pro1737Leu)

Gene: PCDH15 (protocadherin related 15; minus strand). Cytogenetic location: 10q21.1.
Variant type: single nucleotide variant.
Coding change: c.5210C>T on transcript NM_033056.4 (MANE Plus Clinical); coding-DNA position 5210, C replaced by T.
Protein change: p.Pro1737Leu; replaces proline 1737 with leucine.
Molecular consequence: missense variant. On other transcripts: intron variant (8).
Genome position (GRCh38, 1-based): chr10:53,822,516, G>A on the plus strand (C>T on the coding strand, the complement: PCDH15 is on the minus strand). VCF-style: chr10-53822516-G-A. GRCh37 (hg19) VCF-style: chr10-55582276-G-A.
Other names: c.5231C>T, p.Pro1744Leu (NM_001142763.2); c.5216C>T, p.Pro1739Leu (NM_001142764.2); c.5003C>T, p.Pro1668Leu (NM_001142765.2); c.5201C>T, p.Pro1734Leu (NM_001142766.2); c.5090C>T, p.Pro1697Leu (NM_001142767.2); c.5150C>T, p.Pro1717Leu (NM_001142768.2); c.5141C>T, p.Pro1714Leu (NM_001142773.2); c.5144C>T, p.Pro1715Leu (NM_001354404.2); and 8 more; short protein forms P1668L, P1697L, P1714L, P1715L, P1717L, P1734L, P1737L, P1739L.
Identifiers: ClinVar variation 1052794 (VCV001052794.6), dbSNP rs1339913420, ClinGen allele CA376525453.
Genomic context (GRCh38, chr10:53,822,516, plus strand): 5'-GAAGGAGGAGAAATAGGAGGAGGAGGGGGAAGGGGACAGGCAGAAGGAGAGATGTTTGGT[G>A]GATGGGCAAAATTTTCAAAAATATTTCTTTCGGTTTCAATAGGTAACATACAAATAGGTG-3'
Protein context (NP_149045.3, residues 1727-1747): ERNIFENFAH[Pro1737Leu]PNISPSACPL